The following is an entry in ClinVar:

ClinVar aggregate classification (germline): Benign. Review status: criteria provided, multiple submitters, no conflicts (2 of 4 stars). 2 submissions from 2 submitters: Benign (2). Last evaluated 2017-04-27.

Conditions:
SEPN1-related disorder. Also called: SEPN1-Related Disorders. Identifiers: MedGen CN239420.

Allele frequency attached by ClinVar (database versions not stated): gnomAD 0.71890 and 0.70822; gnomAD exomes 0.81731; TOPMed 0.71750; 1000 Genomes Project 30x 0.75406; 1000 Genomes Project 0.76298.
gnomAD v4.1: 109,681 of 152,182 alleles (72%); highest among the groups gnomAD compares: East Asian, 97%; 40,973 homozygotes.

Submissions (2):

Illumina Laboratory Services, Illumina
Classification: Benign for SEPN1-Related Disorders. Last evaluated: 2017-04-27. Review status: criteria provided, single submitter. Criteria: ICSL Variant Classification Criteria 13 December 2019. Collection method: clinical testing. Allele origin: germline.
Comment: This variant was observed as part of a predisposition screen in an ostensibly healthy population. A literature search was performed for the gene, cDNA change, and amino acid change (where applicable). No publications were found based on this search. Allele frequency data from public databases was too high to be consistent with this variant causing disease. Therefore, this variant is classified as benign.

Breakthrough Genomics
Classification: Benign. Review status: criteria provided, single submitter. Criteria: ACMG Guidelines, 2015. Collection method: not provided. Allele origin: germline. Inheritance: Autosomal recessive inheritance. Affected: yes.

NM_206926.2(SELENON):c.*1612T>C

Gene: SELENON (selenoprotein N; plus strand). Cytogenetic location: 1p36.11.
Variant type: single nucleotide variant.
Coding change: c.*1612T>C on transcript NM_206926.2 (MANE Select); 1612 bases downstream of the stop codon, T replaced by C.
Molecular consequence: 3 prime UTR variant.
Genome position (GRCh38, 1-based): chr1:25,817,330, T>C. VCF-style: chr1-25817330-T-C. GRCh37 (hg19) VCF-style: chr1-26143821-T-C.
Other names: c.*1612T>C (NM_020451.3).
Identifiers: ClinVar variation 297050 (VCV000297050.6), dbSNP rs3203750, ClinGen allele CA10610901.